The following is an entry in ClinVar:

ClinVar aggregate classification (germline): Uncertain significance. Review status: criteria provided, multiple submitters, no conflicts (2 of 4 stars). 3 submissions from 3 submitters: Uncertain significance (3). Last evaluated 2025-09-28.

Conditions:
Hyperkalemic periodic paralysis. Also called: Familial hyperkalemic periodic paralysis; Gamstorp disease. Identifiers: Orphanet 682, MedGen C0238357, MONDO:0008224, OMIM 170500, HP:0007215.
Inborn genetic diseases. Identifiers: MedGen C0950123, MeSH D030342.

Allele frequency attached by ClinVar (database versions not stated): ExAC 0.00001; gnomAD 0.00001; gnomAD exomes 0.00001; TOPMed 0.00001.
gnomAD v4.1: 13 of 1,613,836 alleles (0.00081%); highest among the groups gnomAD compares: Non-Finnish European, 0.00093%; no homozygotes.

Submissions (3):

Ambry Genetics
Classification: Uncertain significance for Inborn genetic diseases. Last evaluated: 2025-09-28. Review status: criteria provided, single submitter. Criteria: Ambry Variant Classification Scheme 2023. Collection method: clinical testing. Allele origin: germline.
Comment: The c.3562T>C (p.Y1188H) alteration is located in exon 19 (coding exon 19) of the SCN4A gene. This alteration results from a T to C substitution at nucleotide position 3562, causing the tyrosine (Y) at amino acid position 1188 to be replaced by a histidine (H). Based on data from gnomAD, the C allele has an overall frequency of <0.001% (1/250724) total alleles studied. The highest observed frequency was 0.001% (1/113350) of European (non-Finnish) alleles. Based on insufficient or conflicting evidence, the clinical significance of this alteration remains unclear.

Labcorp Genetics (formerly Invitae), Labcorp
Classification: Uncertain significance for Hyperkalemic periodic paralysis. Last evaluated: 2025-08-25. Review status: criteria provided, single submitter. Criteria: Invitae Variant Classification Sherloc (09022015). Collection method: clinical testing. Allele origin: germline.
Comment: This sequence change replaces tyrosine, which is neutral and polar, with histidine, which is basic and polar, at codon 1188 of the SCN4A protein (p.Tyr1188His). This variant is not present in population databases (gnomAD no frequency). This variant has not been reported in the literature in individuals affected with SCN4A-related conditions. ClinVar contains an entry for this variant (Variation ID: 1899177). Invitae Evidence Modeling of protein sequence and biophysical properties (such as structural, functional, and spatial information, amino acid conservation, physicochemical variation, residue mobility, and thermodynamic stability) indicates that this missense variant is not expected to disrupt SCN4A protein function with a negative predictive value of 95%. In summary, the available evidence is currently insufficient to determine the role of this variant in disease. Therefore, it has been classified as a Variant of Uncertain Significance.

Revvity Omics, Revvity
Classification: Uncertain significance. Last evaluated: 2020-08-11. Review status: criteria provided, single submitter. Criteria: ACMG Guidelines, 2015. Collection method: clinical testing. Allele origin: germline.

NM_000334.4(SCN4A):c.3562T>C (p.Tyr1188His)

Genes: GH-LCR (growth hormone locus control region; plus strand), SCN4A (sodium voltage-gated channel alpha subunit 4; minus strand). Cytogenetic location: 17q23.3.
Variant type: single nucleotide variant.
Coding change: c.3562T>C on transcript NM_000334.4 (MANE Select); coding-DNA position 3562, T replaced by C.
Protein change: p.Tyr1188His; replaces tyrosine 1188 with histidine.
Molecular consequence: missense variant.
Genome position (GRCh38, 1-based): chr17:63,945,518, A>G on the plus strand (T>C on the coding strand, the complement: SCN4A is on the minus strand). VCF-style: chr17-63945518-A-G. GRCh37 (hg19) VCF-style: chr17-62022878-A-G.
Other names: short protein forms Y1188H.
Identifiers: ClinVar variation 1899177 (VCV001899177.9), dbSNP rs759107875, ClinGen allele CA8709234.